The following is an entry in ClinVar:

ClinVar aggregate classification (germline): Uncertain significance (1 of 4 stars; one submission).

Conditions:
Combined immunodeficiency due to LRBA deficiency. Also called: Common variable immunodeficiency 8, with autoimmunity. Identifiers: Orphanet 445018, MedGen C3553512, MONDO:0013863, OMIM 614700.

Allele frequency attached by ClinVar (database versions not stated): ExAC 0.00001; gnomAD exomes 0.00001; TOPMed 0.00001; ESP Exome Variant Server 0.00008.
gnomAD v4.1: 9 of 1,613,732 alleles (0.00056%); highest among the groups gnomAD compares: South Asian, 0.0011%; no homozygotes.

Submission:

Labcorp Genetics (formerly Invitae), Labcorp
Classification: Uncertain significance for Combined immunodeficiency due to LRBA deficiency. Last evaluated: 2024-06-12. Review status: criteria provided, single submitter. Criteria: Invitae Variant Classification Sherloc (09022015). Collection method: clinical testing. Allele origin: germline.
Comment: This sequence change replaces arginine, which is basic and polar, with histidine, which is basic and polar, at codon 167 of the LRBA protein (p.Arg167His). This variant is present in population databases (rs140622107, gnomAD 0.003%). This variant has not been reported in the literature in individuals affected with LRBA-related conditions. ClinVar contains an entry for this variant (Variation ID: 1467985). Advanced modeling of protein sequence and biophysical properties (such as structural, functional, and spatial information, amino acid conservation, physicochemical variation, residue mobility, and thermodynamic stability) performed at Invitae indicates that this missense variant is not expected to disrupt LRBA protein function with a negative predictive value of 80%. In summary, the available evidence is currently insufficient to determine the role of this variant in disease. Therefore, it has been classified as a Variant of Uncertain Significance.

NM_001364905.1(LRBA):c.500G>A (p.Arg167His)

Gene: LRBA (LPS responsive beige-like anchor protein; minus strand). Cytogenetic location: 4q31.3.
Variant type: single nucleotide variant.
Coding change: c.500G>A on transcript NM_001364905.1 (MANE Select); coding-DNA position 500, G replaced by A.
Protein change: p.Arg167His; replaces arginine 167 with histidine.
Molecular consequence: missense variant.
Genome position (GRCh38, 1-based): chr4:150,928,565, C>T on the plus strand (G>A on the coding strand, the complement: LRBA is on the minus strand). VCF-style: chr4-150928565-C-T. GRCh37 (hg19) VCF-style: chr4-151849717-C-T.
Other names: c.500G>A, p.Arg167His (NM_001199282.3, NM_001367550.1, NM_006726.5); short protein forms R167H.
Identifiers: ClinVar variation 1467985 (VCV001467985.6), dbSNP rs140622107, ClinGen allele CA3103849.